The following is an entry in ClinVar:

NM_015450.3(POT1):c.870-1G>C

Gene: POT1 (protection of telomeres 1; minus strand). Cytogenetic location: 7q31.33.
Variant type: single nucleotide variant.
Coding change: c.870-1G>C on transcript NM_015450.3 (MANE Select); the canonical splice acceptor site of the intron before coding-DNA position 870, G replaced by C.
Molecular consequence: splice acceptor variant.
Genome position (GRCh38, 1-based): chr7:124,851,952, C>G on the plus strand (G>C on the coding strand, the complement: POT1 is on the minus strand). VCF-style: chr7-124851952-C-G. GRCh37 (hg19) VCF-style: chr7-124492006-C-G.
Other names: c.477-1G>C (NM_001042594.2).
Identifiers: ClinVar variation 4862379 (VCV004862379.1).

ClinVar aggregate classification (germline): Likely pathogenic (1 of 4 stars; one submission).

Conditions:
Hereditary cancer-predisposing syndrome. Also called: Neoplastic Syndromes, Hereditary; Tumor predisposition; Hereditary Cancer Syndrome; Hereditary neoplastic syndrome. Identifiers: Orphanet 140162, MedGen C0027672, MeSH D009386, MONDO:0015356.

Submission:

Ambry Genetics
Classification: Likely pathogenic for Hereditary cancer-predisposing syndrome. Last evaluated: 2026-03-24. Review status: criteria provided, single submitter. Criteria: Ambry Variant Classification Scheme 2023. Collection method: clinical testing. Allele origin: germline.
Comment: The c.870-1G>C intronic variant results from a G to C substitution one nucleotide before coding exon 7 of the POT1 gene. This variant is considered to be rare based on population cohorts in the Genome Aggregation Database (gnomAD). This nucleotide position is highly conserved in available vertebrate species. In silico splice site analysis predicts that this alteration will weaken the native splice acceptor site and may result in the creation or strengthening of a novel splice acceptor site; however, direct evidence is insufficient at this time (Ambry internal data). Variants that disrupt the canonical splice site are expected to cause aberrant splicing, resulting in an abnormal protein or a transcript that is subject to nonsense-mediated mRNA decay. As such, this variant is classified as likely pathogenic.